The following is an entry in ClinVar:

NM_001754.5(RUNX1):c.388G>A (p.Val130Ile)

Genes: RUNX1 (RUNX family transcription factor 1; minus strand), RUNX1-AS1 (RUNX1 antisense RNA 1; plus strand). Cytogenetic location: 21q22.12.
Variant type: single nucleotide variant.
Coding change: c.388G>A on transcript NM_001754.5 (MANE Select); coding-DNA position 388, G replaced by A.
Protein change: p.Val130Ile; replaces valine 130 with isoleucine.
Molecular consequence: missense variant.
Genome position (GRCh38, 1-based): chr21:34,880,677, C>T on the plus strand (G>A on the coding strand, the complement: RUNX1 is on the minus strand). VCF-style: chr21-34880677-C-T. GRCh37 (hg19) VCF-style: chr21-36252974-C-T.
Other names: NM_001754.5(RUNX1):c.388G>A; p.Val130Ile; c.307G>A, p.Val103Ile (NM_001001890.3, NM_001122607.2); short protein forms V103I, V130I.
Identifiers: ClinVar variation 2678494 (VCV002678494.3), dbSNP rs1569079205, ClinGen allele CA410202721.

ClinVar aggregate classification (germline): Uncertain significance. Review status: reviewed by expert panel (3 of 4 stars). 3 submissions from 3 submitters: Uncertain significance (1). 2 of the submissions do not count toward it. Last evaluated 2024-09-16.

Conditions:
Inborn genetic diseases. Identifiers: MedGen C0950123, MeSH D030342.
Hereditary thrombocytopenia and hematologic cancer predisposition syndrome. Identifiers: Orphanet 71290, MedGen CN281654, MONDO:0011071.
Acute myeloid leukemia (AML). Also called: Acute myeloid leukemia, adult; AML adult; Acute non-lymphocytic leukemia; Acute granulocytic leukemia; Leukemia, acute myelogenous, somatic; Leukemia, acute myeloid, somatic. Identifiers: Orphanet 519, MedGen C0023467, MeSH D015470, MONDO:0018874, OMIM 601626, HP:0004808. Disease mechanism: Constitutively activated FLT3.

Submissions (3):

ClinGen Myeloid Malignancy Variant Curation Expert Panel
Classification: Uncertain significance for Hereditary thrombocytopenia and hematologic cancer predisposition syndrome. Last evaluated: 2024-09-16. Review status: reviewed by expert panel. Criteria: ClinGen MyeloMalig ACMG Specifications v2. Collection method: curation. Allele origin: germline. Inheritance: Autosomal dominant inheritance.
Comment: NM_001754.5(RUNX1):c.388G>A (p.Val130Ile) is a missense variant which is located within the Runt Homology Domain (AA 89-204), but does not occur in an established hotspot residue (PM1_supporting). This variant is completely absent from all population databases with at least 20x coverage for RUNX1 (PM2_supporting). In summary, the clinical significance of this variant is uncertain. ACMG/AMP criteria applied, as specified by the Myeloid Malignancy Variant Curation Expert Panel for RUNX1: PM1_supporting, PM2_supporting.

Ambry Genetics
Classification: Uncertain significance for Inborn genetic diseases. Last evaluated: 2025-01-30. Review status: criteria provided, single submitter. Criteria: Ambry Variant Classification Scheme 2023. Collection method: clinical testing. Allele origin: germline. Not counted in ClinVar's aggregate classification.
Comment: The p.V130I variant (also known as c.388G>A), located in coding exon 4 of the RUNX1 gene, results from a G to A substitution at nucleotide position 388. The valine at codon 130 is replaced by isoleucine, an amino acid with highly similar properties. This amino acid position is conserved. In addition, this alteration is predicted to be deleterious by in silico analysis. Based on the available evidence, the clinical significance of this variant remains unclear.

Baylor Genetics
Classification: Uncertain significance for Acute myeloid leukemia. Last evaluated: 2023-08-31. Review status: criteria provided, single submitter. Criteria: ACMG Guidelines, 2015. Collection method: clinical testing. Allele origin: unknown. Not counted in ClinVar's aggregate classification.